The following is an entry in ClinVar:

NM_015338.6(ASXL1):c.259G>T (p.Ala87Ser)

Gene: ASXL1 (ASXL transcriptional regulator 1; plus strand). Cytogenetic location: 20q11.21.
Variant type: single nucleotide variant.
Coding change: c.259G>T on transcript NM_015338.6 (MANE Select); coding-DNA position 259, G replaced by T.
Protein change: p.Ala87Ser; replaces alanine 87 with serine.
Molecular consequence: missense variant.
Genome position (GRCh38, 1-based): chr20:32,428,134, G>T. VCF-style: chr20-32428134-G-T. GRCh37 (hg19) VCF-style: chr20-31015937-G-T.
Other names: c.229G>T, p.Ala77Ser (NM_001363734.1); short protein forms A87S, A77S.
Identifiers: ClinVar variation 2247430 (VCV002247430.3), dbSNP rs764542386, ClinGen allele CA9808050.

ClinVar aggregate classification (germline): Uncertain significance (1 of 4 stars; one submission).

Conditions:
Inborn genetic diseases. Identifiers: MedGen C0950123, MeSH D030342.

Allele frequency attached by ClinVar (database versions not stated): ExAC 0.00001; gnomAD 0.00001; TOPMed 0.00001.
gnomAD v4.1: 3 of 1,613,242 alleles (0.00019%); highest among the groups gnomAD compares: Middle Eastern, 0.018%; no homozygotes.

Submission:

Ambry Genetics
Classification: Uncertain significance for Inborn genetic diseases. Last evaluated: 2025-04-06. Review status: criteria provided, single submitter. Criteria: Ambry Variant Classification Scheme 2023. Collection method: clinical testing. Allele origin: germline.
Comment: The p.A87S variant (also known as c.259G>T), located in coding exon 5 of the ASXL1 gene, results from a G to T substitution at nucleotide position 259. The alanine at codon 87 is replaced by serine, an amino acid with similar properties. This amino acid position is conserved. In addition, this alteration is predicted to be tolerated by in silico analysis. Based on the available evidence, the clinical significance of this variant remains unclear.